The following is an entry in ClinVar:

ClinVar aggregate classification (germline): Uncertain significance (1 of 4 stars; one submission).

Conditions:
Emery-Dreifuss muscular dystrophy 5, autosomal dominant (EDMD5). Also called: EMERY-DREIFUSS MUSCULAR DYSTROPHY 5. Identifiers: Orphanet 261, MedGen C2751805, MONDO:0013072, OMIM 612999.

Allele frequency attached by ClinVar (database versions not stated): gnomAD exomes below 0.00001 and 0.00001; TOPMed 0.00001.
gnomAD v4.1: 3 of 1,614,050 alleles (0.00019%); highest among the groups gnomAD compares: Admixed American, 0.0033%; no homozygotes.

Submission:

Labcorp Genetics (formerly Invitae), Labcorp
Classification: Uncertain significance for Emery-Dreifuss muscular dystrophy 5, autosomal dominant. Last evaluated: 2024-11-11. Review status: criteria provided, single submitter. Criteria: Invitae Variant Classification Sherloc (09022015). Collection method: clinical testing. Allele origin: germline.
Comment: This sequence change replaces proline, which is neutral and non-polar, with leucine, which is neutral and non-polar, at codon 2040 of the SYNE2 protein (p.Pro2040Leu). This variant is present in population databases (no rsID available, gnomAD 0.006%). This variant has not been reported in the literature in individuals affected with SYNE2-related conditions. ClinVar contains an entry for this variant (Variation ID: 646793). An algorithm developed to predict the effect of missense changes on protein structure and function (PolyPhen-2) suggests that this variant is likely to be tolerated. In summary, the available evidence is currently insufficient to determine the role of this variant in disease. Therefore, it has been classified as a Variant of Uncertain Significance.

NM_182914.3(SYNE2):c.6119C>T (p.Pro2040Leu)

Gene: SYNE2 (spectrin repeat containing nuclear envelope protein 2; plus strand). Cytogenetic location: 14q23.2.
Variant type: single nucleotide variant.
Coding change: c.6119C>T on transcript NM_182914.3 (MANE Select); coding-DNA position 6119, C replaced by T.
Protein change: p.Pro2040Leu; replaces proline 2040 with leucine.
Molecular consequence: missense variant.
Genome position (GRCh38, 1-based): chr14:64,025,288, C>T. VCF-style: chr14-64025288-C-T. GRCh37 (hg19) VCF-style: chr14-64492006-C-T.
Other names: c.6119C>T, p.Pro2040Leu (NM_015180.6); short protein forms P2040L.
Identifiers: ClinVar variation 646793 (VCV000646793.10), dbSNP rs1277532834, ClinGen allele CA389946378.